The following is an entry in ClinVar:

NM_001348716.2(KDM6B):c.685C>T (p.Arg229Ter)

Gene: KDM6B (lysine demethylase 6B; plus strand). Cytogenetic location: 17p13.1.
Variant type: single nucleotide variant.
Coding change: c.685C>T on transcript NM_001348716.2 (MANE Select); coding-DNA position 685, C replaced by T.
Protein change: p.Arg229Ter; replaces arginine 229 with a stop codon.
Molecular consequence: nonsense.
Genome position (GRCh38, 1-based): chr17:7,846,714, C>T. VCF-style: chr17-7846714-C-T. GRCh37 (hg19) VCF-style: chr17-7750032-C-T.
Other names: c.685C>T, p.Arg229Ter (NM_001080424.2); c.685C>T (NM_001080424.1); short protein forms R229*.
Identifiers: ClinVar variation 1704440 (VCV001704440.9), dbSNP rs2544521866, ClinGen allele CA397913730.

ClinVar aggregate classification (germline): Pathogenic/Likely pathogenic. Review status: criteria provided, multiple submitters, no conflicts (2 of 4 stars). 4 submissions from 4 submitters: Pathogenic (2); Likely pathogenic (1). 1 of the submissions does not count toward it. Last evaluated 2025-11-01.

Conditions:
Intellectual disability. Also called: Intellectual functioning disability; Intellectual developmental disorder; intellectual disabilities. Identifiers: MedGen C3714756, MeSH D008607, MONDO:0001071, HP:0001249.
Neurodevelopmental disorder with coarse facies and mild distal skeletal abnormalities. Also called: STOLERMAN NEURODEVELOPMENTAL SYNDROME. Identifiers: MedGen C5193134, MONDO:0032790, OMIM 618505.

Submissions (4):

CeGaT Center for Human Genetics Tuebingen
Classification: Pathogenic. Last evaluated: 2025-11-01. Review status: criteria provided, single submitter. Criteria: CeGaT Center For Human Genetics Tuebingen Variant Classification Criteria Version 2. Collection method: clinical testing. Allele origin: germline. Affected: yes. Observed: 1 variant allele.
Comment: KDM6B: PVS1, PM2, PS2:Moderate, PS4:Moderate

GeneDx
Classification: Pathogenic. Last evaluated: 2025-03-12. Review status: criteria provided, single submitter. Criteria: GeneDx Variant Classification Process June 2021. Collection method: clinical testing. Allele origin: germline. Affected: yes.
Comment: Nonsense variant predicted to result in protein truncation or nonsense mediated decay in a gene for which loss of function is a known mechanism of disease; Not observed at significant frequency in large population cohorts (gnomAD); This variant is associated with the following publications: (PMID: 37196654, 36477409)

Cambridge Genomics Laboratory, East Genomic Laboratory Hub, NHS Genomic Medicine Service
Classification: Likely pathogenic for Intellectual disability. Last evaluated: 2020-02-10. Review status: criteria provided, single submitter. Criteria: ACGS Best Practice Guidelines for Variant Classification in Rare Disease 2020. Collection method: clinical testing. Allele origin: germline. Affected: yes. Observed: 1 variant allele.

Joint Genome Diagnostic Labs from Nijmegen and Maastricht, Radboudumc and MUMC+
Classification: Likely pathogenic for Neurodevelopmental disorder with coarse facies and mild distal skeletal abnormalities. Last evaluated: 2022-09-09. Review status: no assertion criteria provided. Collection method: research. Allele origin: de novo. Affected: yes. Not counted in ClinVar's aggregate classification.